The following is an entry in ClinVar:

ClinVar aggregate classification (germline): Uncertain significance (1 of 4 stars; one submission).

Conditions:
Anauxetic dysplasia. Identifiers: Orphanet 93347, MedGen C1846796, MONDO:0011773.

Allele frequency attached by ClinVar (database versions not stated): TOPMed 0.00001; gnomAD exomes 0.00002; ExAC 0.00016.
gnomAD v4.1: 3 of 686,116 alleles (0.00044%); highest among the groups gnomAD compares: East Asian, 0.0027%; no homozygotes.

Submission:

Labcorp Genetics (formerly Invitae), Labcorp
Classification: Uncertain significance for Anauxetic dysplasia. Last evaluated: 2022-04-16. Review status: criteria provided, single submitter. Criteria: Invitae Variant Classification Sherloc (09022015). Collection method: clinical testing. Allele origin: germline.
Comment: This variant occurs in the RMRP gene, which encodes an RNA molecule that does not result in a protein product. This variant is present in population databases (rs533294975, gnomAD 0.02%). This variant has been observed in individual(s) with clinical features of RMRP-related conditions (PMID: 12107819, 16244706; Invitae). In at least one individual the data is consistent with being in trans (on the opposite chromosome) from a pathogenic variant. ClinVar contains an entry for this variant (Variation ID: 1042954). Algorithms developed to predict the effect of variants on protein structure and function are not available or were not evaluated for this variant. Experimental studies have shown that this variant does not substantially affect RMRP function (PMID: 17701897). In summary, the available evidence is currently insufficient to determine the role of this variant in disease. Therefore, it has been classified as a Variant of Uncertain Significance.

Literature cited by the submitters: PubMed 12107819; PubMed 16244706; PubMed 17701897.

NC_000009.12:g.35657757G>A

Gene: RMRP (RNA component of mitochondrial RNA processing endoribonuclease; minus strand). Cytogenetic location: 9p13.3.
Variant type: single nucleotide variant.
Genome position: GRCh38 VCF-style: chr9-35657757-G-A. GRCh37 (hg19) VCF-style: chr9-35657754-G-A.
Identifiers: ClinVar variation 1042954 (VCV001042954.2), dbSNP rs533294975, ClinGen allele CA5045813.